The following is an entry in ClinVar:

ClinVar aggregate classification (germline): Uncertain significance (1 of 4 stars; one submission).

Submission:

GeneDx
Classification: Uncertain significance. Last evaluated: 2023-12-28. Review status: criteria provided, single submitter. Criteria: GeneDx Variant Classification Process June 2021. Collection method: clinical testing. Allele origin: germline. Affected: yes.
Comment: Not observed at significant frequency in large population cohorts (gnomAD); In silico analysis supports that this missense variant has a deleterious effect on protein structure/function; Has not been previously published as pathogenic or benign to our knowledge

NM_006521.6(TFE3):c.890C>T (p.Pro297Leu)

Gene: TFE3 (transcription factor binding to IGHM enhancer 3; minus strand). Cytogenetic location: Xp11.23.
Variant type: single nucleotide variant.
Coding change: c.890C>T on transcript NM_006521.6 (MANE Select); coding-DNA position 890, C replaced by T.
Protein change: p.Pro297Leu; replaces proline 297 with leucine.
Molecular consequence: missense variant.
Genome position (GRCh38, 1-based): chrX:49,034,247, G>A on the plus strand (C>T on the coding strand, the complement: TFE3 is on the minus strand). VCF-style: chrX-49034247-G-A. GRCh37 (hg19) VCF-style: chrX-48891762-G-A.
Other names: c.575C>T, p.Pro192Leu (NM_001282142.2); short protein forms P192L, P297L.
Identifiers: ClinVar variation 3365886 (VCV003365886.1).